The following is an entry in ClinVar:

ClinVar aggregate classification (germline): Likely benign. Review status: criteria provided, multiple submitters, no conflicts (2 of 4 stars). 2 submissions from 2 submitters: Likely benign (2). Last evaluated 2023-10-30.

Allele frequency attached by ClinVar (database versions not stated): TOPMed below 0.00001; gnomAD exomes 0.00001.
gnomAD v4.1: 12 of 1,613,916 alleles (0.00074%); highest among the groups gnomAD compares: Non-Finnish European, 0.001%; no homozygotes.

Submissions (2):

Blueprint Genetics
Classification: Likely benign. Last evaluated: 2023-10-30. Review status: criteria provided, single submitter. Criteria: ACMG Guidelines, 2015. Collection method: clinical testing. Allele origin: germline.

CeGaT Center for Human Genetics Tuebingen
Classification: Likely benign. Last evaluated: 2023-03-01. Review status: criteria provided, single submitter. Criteria: CeGaT Center For Human Genetics Tuebingen Variant Classification Criteria Version 2. Collection method: clinical testing. Allele origin: germline. Affected: yes. Observed: 1 variant allele.
Comment: ANKRD11: BP4, BP7

NM_013275.6(ANKRD11):c.30A>G (p.Pro10=)

Gene: ANKRD11 (ankyrin repeat domain 11; minus strand). Cytogenetic location: 16q24.3.
Variant type: single nucleotide variant.
Coding change: c.30A>G on transcript NM_013275.6 (MANE Select); coding-DNA position 30, A replaced by G.
Protein change: p.Pro10=; no amino-acid change (proline 10 retained).
Molecular consequence: synonymous variant. On other transcripts: non-coding transcript variant (1).
Genome position (GRCh38, 1-based): chr16:89,316,990, T>C on the plus strand (A>G on the coding strand, the complement: ANKRD11 is on the minus strand). VCF-style: chr16-89316990-T-C. GRCh37 (hg19) VCF-style: chr16-89383398-T-C.
Other names: c.30A>G, p.Pro10= (NM_001256182.2, NM_001256183.2).
Identifiers: ClinVar variation 2498679 (VCV002498679.29), dbSNP rs1274793310, ClinGen allele CA497165254.